The following is an entry in ClinVar:

ClinVar aggregate classification (germline): Uncertain significance. Review status: criteria provided, multiple submitters, no conflicts (2 of 4 stars). 2 submissions from 2 submitters: Uncertain significance (2). Last evaluated 2024-12-31.

Conditions:
Glycogen storage disease IXd (GSD9D). Also called: GSD IXd; Muscle Phosphorylase Kinase Deficiency. Identifiers: Orphanet 715, MedGen C1845151, MONDO:0010362, OMIM 300559.

Allele frequency attached by ClinVar (database versions not stated): gnomAD 0.00001; gnomAD exomes 0.00001 and 0.00005; TOPMed 0.00002; ExAC 0.00006.
gnomAD v4.1: 12 of 1,199,614 alleles (0.001%); highest among the groups gnomAD compares: Admixed American, 0.026%; no homozygotes.

Submissions (2):

Labcorp Genetics (formerly Invitae), Labcorp
Classification: Uncertain significance for Glycogen storage disease IXd. Last evaluated: 2024-12-31. Review status: criteria provided, single submitter. Criteria: Invitae Variant Classification Sherloc (09022015). Collection method: clinical testing. Allele origin: germline.
Comment: This sequence change replaces valine, which is neutral and non-polar, with methionine, which is neutral and non-polar, at codon 1111 of the PHKA1 protein (p.Val1111Met). This variant is present in population databases (rs782099054, gnomAD 0.03%). This variant has not been reported in the literature in individuals affected with PHKA1-related conditions. ClinVar contains an entry for this variant (Variation ID: 1306947). An algorithm developed to predict the effect of missense changes on protein structure and function (PolyPhen-2) suggests that this variant is likely to be disruptive. In summary, the available evidence is currently insufficient to determine the role of this variant in disease. Therefore, it has been classified as a Variant of Uncertain Significance.

GeneDx
Classification: Uncertain significance. Last evaluated: 2019-07-05. Review status: criteria provided, single submitter. Criteria: GeneDx Variant Classification Process June 2021. Collection method: clinical testing. Allele origin: germline. Affected: yes.
Comment: Has not been previously published as pathogenic or benign to our knowledge; In silico analysis, which includes protein predictors and evolutionary conservation, supports a deleterious effect; This variant is associated with the following publications: (PMID: 31094706)

NM_002637.4(PHKA1):c.3331G>A (p.Val1111Met)

Gene: PHKA1 (phosphorylase kinase regulatory subunit alpha 1; minus strand). Cytogenetic location: Xq13.1.
Variant type: single nucleotide variant.
Coding change: c.3331G>A on transcript NM_002637.4 (MANE Select); coding-DNA position 3331, G replaced by A.
Protein change: p.Val1111Met; replaces valine 1111 with methionine.
Molecular consequence: missense variant.
Genome position (GRCh38, 1-based): chrX:72,582,565, C>T on the plus strand (G>A on the coding strand, the complement: PHKA1 is on the minus strand). VCF-style: chrX-72582565-C-T. GRCh37 (hg19) VCF-style: chrX-71802415-C-T.
Other names: c.3292G>A, p.Val1098Met (NM_001122670.2); c.3115G>A, p.Val1039Met (NM_001172436.2); short protein forms V1039M, V1098M, V1111M.
Identifiers: ClinVar variation 1306947 (VCV001306947.6), dbSNP rs782099054, ClinGen allele CA10450480.